The following is an entry in ClinVar:

ClinVar aggregate classification (germline): Uncertain significance (1 of 4 stars; one submission).

Conditions:
Osteogenesis imperfecta type 8 (OI8). Identifiers: MedGen C1970458, MONDO:0012581, OMIM 610915.

Allele frequency attached by ClinVar (database versions not stated): TOPMed below 0.00001; gnomAD exomes 0.00001.
gnomAD v4.1: 21 of 1,614,020 alleles (0.0013%); highest among the groups gnomAD compares: Non-Finnish European, 0.0016%; no homozygotes.

Submission:

Labcorp Genetics (formerly Invitae), Labcorp
Classification: Uncertain significance for Osteogenesis imperfecta type 8. Last evaluated: 2023-07-10. Review status: criteria provided, single submitter. Criteria: Invitae Variant Classification Sherloc (09022015). Collection method: clinical testing. Allele origin: germline.
Comment: Advanced modeling of protein sequence and biophysical properties (such as structural, functional, and spatial information, amino acid conservation, physicochemical variation, residue mobility, and thermodynamic stability) performed at Invitae indicates that this missense variant is not expected to disrupt P3H1 protein function. This sequence change replaces alanine, which is neutral and non-polar, with valine, which is neutral and non-polar, at codon 535 of the P3H1 protein (p.Ala535Val). This variant is not present in population databases (gnomAD no frequency). This variant has not been reported in the literature in individuals affected with P3H1-related conditions. ClinVar contains an entry for this variant (Variation ID: 1407228). In summary, the available evidence is currently insufficient to determine the role of this variant in disease. Therefore, it has been classified as a Variant of Uncertain Significance.

NM_022356.4(P3H1):c.1604C>T (p.Ala535Val)

Gene: P3H1 (prolyl 3-hydroxylase 1; minus strand). Cytogenetic location: 1p34.2.
Variant type: single nucleotide variant.
Coding change: c.1604C>T on transcript NM_022356.4 (MANE Select); coding-DNA position 1604, C replaced by T.
Protein change: p.Ala535Val; replaces alanine 535 with valine.
Molecular consequence: missense variant.
Genome position (GRCh38, 1-based): chr1:42,750,302, G>A on the plus strand (C>T on the coding strand, the complement: P3H1 is on the minus strand). VCF-style: chr1-42750302-G-A. GRCh37 (hg19) VCF-style: chr1-43215973-G-A.
Other names: c.1604C>T, p.Ala535Val (NM_001146289.2, NM_001243246.2); short protein forms A535V.
Identifiers: ClinVar variation 1407228 (VCV001407228.6), dbSNP rs1651963746, ClinGen allele CA339954911.
Genomic context (GRCh38, chr1:42,750,302, plus strand): 5'-AGGCGGAAGTAGGACTCCATGATGCGCCGCACCTTCTCCGTCACGTTGTAGTACAGGTGG[G>A]CACTCTGCAGAGGAACTTTGCCTTCTTGCCCCAGCTGCCAAGGAGACAGATGGTCAGCTG-3'
Protein context (NP_071751.3, residues 525-545): GQEGKVPLQS[Ala535Val]HLYYNVTEKV